The following is an entry in ClinVar:

ClinVar aggregate classification (germline): Pathogenic/Likely pathogenic. Review status: criteria provided, multiple submitters, no conflicts (2 of 4 stars). 5 submissions from 5 submitters: Pathogenic (3); Likely pathogenic (1). 1 of the submissions does not count toward it. Last evaluated 2025-11-04.

Conditions:
Malignant tumor of urinary bladder. Also called: Bladder cancer; Urinary bladder cancer; Urinary Bladder Neoplasms. Identifiers: MedGen C0005684, MONDO:0001187, OMIM 109800.
Tuberous sclerosis syndrome (TSC). Also called: Tuberous Sclerosis Complex; Tuberous sclerosis. Identifiers: Orphanet 805, MedGen C0041341, MONDO:0001734.
Tuberous sclerosis 1 (TSC1). Identifiers: Orphanet 805, MedGen C1854465, MONDO:0008612, OMIM 191100.

Submissions (5):

Women's Health and Genetics/Laboratory Corporation of America, LabCorp
Classification: Pathogenic for Tuberous sclerosis syndrome. Last evaluated: 2025-11-04. Review status: criteria provided, single submitter. Criteria: LabCorp Variant Classification Summary - May 2015. Collection method: clinical testing. Allele origin: germline.
Comment: Variant summary: TSC1 c.664-1G>A is located in a canonical splice-site and is predicted to affect mRNA splicing resulting in a significantly altered protein due to either exon skipping, shortening, or inclusion of intronic material. Variants that disrupt the consensus splice site are a relatively common cause of aberrant splicing and loss of TSC1 function. Several computational tools predict a significant impact on normal splicing: One predict the variant no significant impact on splicing. Three predict the variant abolishes the canonical 3' acceptor site. However, these predictions have yet to be confirmed by functional studies. Another canonical splice variant has been associated with disease in ClinVar (c.664-1G>C). The variant was absent in 251368 control chromosomes. c.664-1G>A has been observed in at-least one individual affected with Tuberous Sclerosis Complex (example, Shinzato_2015). To our knowledge, no experimental evidence demonstrating an impact on protein function has been reported. The following publication has been ascertained in the context of this evaluation (PMID: 25889454). ClinVar contains an entry for this variant (Variation ID: 49080). Based on the evidence outlined above, the variant was classified as pathogenic.

Genome-Nilou Lab
Classification: Pathogenic for Tuberous sclerosis 1. Last evaluated: 2021-11-07. Review status: criteria provided, single submitter. Criteria: ACMG Guidelines, 2015. Collection method: clinical testing. Allele origin: germline. Affected: no.

Labcorp Genetics (formerly Invitae), Labcorp
Classification: Likely pathogenic for Tuberous sclerosis 1. Last evaluated: 2018-07-08. Review status: criteria provided, single submitter. Criteria: Invitae Variant Classification Sherloc (09022015). Collection method: clinical testing. Allele origin: germline.
Comment: In summary, the currently available evidence indicates that the variant is pathogenic, but additional data are needed to prove that conclusively. Therefore, this variant has been classified as Likely Pathogenic. Donor and acceptor splice site variants typically lead to a loss of protein function (PMID: 16199547), and loss-of-function variants in TSC1 are known to be pathogenic (PMID: 10227394, 17304050). Algorithms developed to predict the effect of sequence changes on RNA splicing suggest that this variant may disrupt the consensus splice site, but this prediction has not been confirmed by published transcriptional studies. This variant has been observed in an individual affected with tuberous sclerosis (PMID: 25889454). ClinVar contains an entry for this variant (Variation ID: 49080). This variant is not present in population databases (ExAC no frequency). This sequence change affects an acceptor splice site in intron 7 of the TSC1 gene. It is expected to disrupt RNA splicing and likely results in an absent or disrupted protein product.

Eurofins Ntd Llc (ga)
Classification: Pathogenic. Last evaluated: 2016-01-28. Review status: criteria provided, single submitter. Criteria: EGL Classification Definitions 2015. Collection method: clinical testing. Allele origin: germline. Observed: 1 variant allele, 1 heterozygote.

Tuberous sclerosis database (TSC1)
No classification provided. Condition: Bladder cancer. Review status: no classification provided. Criteria: Tuberous Sclerosis Database Assertion Criteria 2015. Collection method: curation. Allele origin: germline. Affected: yes. Not counted in ClinVar's aggregate classification.

Literature cited by the submitters: PubMed 25889454 (cited by 3 submitters); PubMed 16199547 (cited by Labcorp Genetics (formerly Invitae), Labcorp); PubMed 10227394 (cited by Labcorp Genetics (formerly Invitae), Labcorp); PubMed 17304050 (cited by Labcorp Genetics (formerly Invitae), Labcorp).

NM_000368.5(TSC1):c.664-1G>A

Gene: TSC1 (TSC complex subunit 1; minus strand). Cytogenetic location: 9q34.13.
Variant type: single nucleotide variant.
Coding change: c.664-1G>A on transcript NM_000368.5 (MANE Select); the canonical splice acceptor site of the intron before coding-DNA position 664, G replaced by A.
Molecular consequence: splice acceptor variant. On other transcripts: intron variant (4).
Genome position (GRCh38, 1-based): chr9:132,921,437, C>T on the plus strand (G>A on the coding strand, the complement: TSC1 is on the minus strand). VCF-style: chr9-132921437-C-T. GRCh37 (hg19) VCF-style: chr9-135796824-C-T.
Other names: c.664-1G>A (NM_001406599.1, NM_001406594.1, NM_001406603.1 and 16 more transcripts); c.301-1G>A (NM_001406620.1, NM_001406618.1, NM_001406625.1 and 10 more transcripts); c.511-1G>A (NM_001406613.1, NM_001406612.1, NM_001406610.1 and 2 more transcripts); c.-215+382G>A (NM_001406627.1, NM_001406628.1, NM_001406626.1); c.-357+382G>A (NM_001406629.1); c.-430-1G>A (NM_001406630.1).
Identifiers: ClinVar variation 49080 (VCV000049080.15), dbSNP rs118203423, ClinGen allele CA007993.